The following is an entry in ClinVar:

ClinVar aggregate classification (germline): Uncertain significance (1 of 4 stars; one submission).

Submission:

Labcorp Genetics (formerly Invitae), Labcorp
Classification: Uncertain significance. Last evaluated: 2023-05-25. Review status: criteria provided, single submitter. Criteria: Invitae Variant Classification Sherloc (09022015). Collection method: clinical testing. Allele origin: germline.
Comment: In summary, the available evidence is currently insufficient to determine the role of this variant in disease. Therefore, it has been classified as a Variant of Uncertain Significance. Advanced modeling of protein sequence and biophysical properties (such as structural, functional, and spatial information, amino acid conservation, physicochemical variation, residue mobility, and thermodynamic stability) performed at Invitae indicates that this missense variant is not expected to disrupt CACNA1D protein function. This variant has not been reported in the literature in individuals affected with CACNA1D-related conditions. This variant is not present in population databases (gnomAD no frequency). This sequence change replaces glutamic acid, which is acidic and polar, with glycine, which is neutral and non-polar, at codon 833 of the CACNA1D protein (p.Glu833Gly).

NM_001128840.3(CACNA1D):c.2438A>G (p.Glu813Gly)

Gene: CACNA1D (calcium voltage-gated channel subunit alpha1 D; plus strand). Cytogenetic location: 3p21.1.
Variant type: single nucleotide variant.
Coding change: c.2438A>G on transcript NM_001128840.3 (MANE Select); coding-DNA position 2438, A replaced by G.
Protein change: p.Glu813Gly; replaces glutamic acid 813 with glycine.
Molecular consequence: missense variant.
Genome position (GRCh38, 1-based): chr3:53,732,047, A>G. VCF-style: chr3-53732047-A-G. GRCh37 (hg19) VCF-style: chr3-53766074-A-G.
Other names: c.2498A>G, p.Glu833Gly (NM_000720.4); c.2438A>G, p.Glu813Gly (NM_001128839.3); short protein forms E833G, E813G.
Identifiers: ClinVar variation 2990286 (VCV002990286.3), dbSNP rs2473786845, ClinGen allele CA353241076.